The following is an entry in ClinVar:

NM_015015.3(KDM4B):c.2636A>G (p.His879Arg)

Gene: KDM4B (lysine demethylase 4B; plus strand). Cytogenetic location: 19p13.3.
Variant type: single nucleotide variant.
Coding change: c.2636A>G on transcript NM_015015.3 (MANE Select); coding-DNA position 2636, A replaced by G.
Protein change: p.His879Arg; replaces histidine 879 with arginine.
Molecular consequence: missense variant.
Genome position (GRCh38, 1-based): chr19:5,144,052, A>G. VCF-style: chr19-5144052-A-G. GRCh37 (hg19) VCF-style: chr19-5144063-A-G.
Other names: c.2738A>G, p.His913Arg (NM_001411148.1); short protein forms H879R, H913R.
Identifiers: ClinVar variation 3253184 (VCV003253184.2), dbSNP rs2512166623.

ClinVar aggregate classification (germline): Uncertain significance (1 of 4 stars; one submission).

Submission:

GeneDx
Classification: Uncertain significance. Last evaluated: 2026-09-04. Review status: criteria provided, single submitter. Criteria: GeneDx Variant Classification Process June 2021. Collection method: clinical testing. Allele origin: germline.
Comment: Not observed at significant frequency in large population cohorts (gnomAD); In silico analysis supports that this missense variant has a deleterious effect on protein structure/function; Has not been previously published as pathogenic or benign to our knowledge